The following is an entry in ClinVar:

ClinVar aggregate classification (germline): Uncertain significance (1 of 4 stars; one submission).

gnomAD v4.1: 4 of 1,614,008 alleles (0.00025%); highest among the groups gnomAD compares: Non-Finnish European, 0.00034%; no homozygotes.

Submission:

Labcorp Genetics (formerly Invitae), Labcorp
Classification: Uncertain significance. Last evaluated: 2025-07-01. Review status: criteria provided, single submitter. Criteria: Invitae Variant Classification Sherloc (09022015). Collection method: clinical testing. Allele origin: germline.
Comment: This sequence change replaces leucine, which is neutral and non-polar, with proline, which is neutral and non-polar, at codon 56 of the CRADD protein (p.Leu56Pro). This variant is present in population databases (no rsID available, gnomAD 0.003%). This variant has not been reported in the literature in individuals affected with CRADD-related conditions. An algorithm developed to predict the effect of missense changes on protein structure and function (PolyPhen-2) suggests that this variant is likely to be disruptive. In summary, the available evidence is currently insufficient to determine the role of this variant in disease. Therefore, it has been classified as a Variant of Uncertain Significance.

NM_003805.5(CRADD):c.167T>C (p.Leu56Pro)

Gene: CRADD (CARD and death domain containing adaptor protein; plus strand). Cytogenetic location: 12q22.
Variant type: single nucleotide variant.
Coding change: c.167T>C on transcript NM_003805.5 (MANE Select); coding-DNA position 167, T replaced by C.
Protein change: p.Leu56Pro; replaces leucine 56 with proline.
Molecular consequence: missense variant. On other transcripts: non-coding transcript variant (1).
Genome position (GRCh38, 1-based): chr12:93,678,941, T>C. VCF-style: chr12-93678941-T-C. GRCh37 (hg19) VCF-style: chr12-94072717-T-C.
Other names: c.167T>C, p.Leu56Pro (NM_001320099.2, NM_001320100.2, NM_001320101.3 and 1 more transcripts); short protein forms L56P.
Identifiers: ClinVar variation 4701868 (VCV004701868.1).